The following is an entry in ClinVar:

NM_001297.5(CNGB1):c.1019T>A (p.Val340Glu)

Gene: CNGB1 (cyclic nucleotide gated channel subunit beta 1; minus strand). Cytogenetic location: 16q21.
Variant type: single nucleotide variant.
Coding change: c.1019T>A on transcript NM_001297.5 (MANE Select); coding-DNA position 1019, T replaced by A.
Protein change: p.Val340Glu; replaces valine 340 with glutamic acid.
Molecular consequence: missense variant.
Genome position (GRCh38, 1-based): chr16:57,950,396, A>T on the plus strand (T>A on the coding strand, the complement: CNGB1 is on the minus strand). VCF-style: chr16-57950396-A-T. GRCh37 (hg19) VCF-style: chr16-57984300-A-T.
Other names: c.1001T>A, p.Val334Glu (NM_001286130.2); short protein forms V334E, V340E.
Identifiers: ClinVar variation 1517741 (VCV001517741.8), dbSNP rs2149381750, ClinGen allele CA396075415.

ClinVar aggregate classification (germline): Uncertain significance (1 of 4 stars; one submission).

Submission:

Labcorp Genetics (formerly Invitae), Labcorp
Classification: Uncertain significance. Last evaluated: 2021-07-08. Review status: criteria provided, single submitter. Criteria: Invitae Variant Classification Sherloc (09022015). Collection method: clinical testing. Allele origin: germline.
Comment: This variant has not been reported in the literature in individuals affected with CNGB1-related conditions. This variant is not present in population databases (ExAC no frequency). This sequence change replaces valine with glutamic acid at codon 340 of the CNGB1 protein (p.Val340Glu). The valine residue is weakly conserved and there is a moderate physicochemical difference between valine and glutamic acid. In summary, the available evidence is currently insufficient to determine the role of this variant in disease. Therefore, it has been classified as a Variant of Uncertain Significance. Advanced modeling of protein sequence and biophysical properties (such as structural, functional, and spatial information, amino acid conservation, physicochemical variation, residue mobility, and thermodynamic stability) performed at Invitae indicates that this missense variant is not expected to disrupt CNGB1 protein function.